The following is an entry in ClinVar:

ClinVar aggregate classification (germline): Uncertain significance (1 of 4 stars; one submission).

Submission:

Women's Health and Genetics/Laboratory Corporation of America, LabCorp
Classification: Uncertain significance. Last evaluated: 2025-04-21. Review status: criteria provided, single submitter. Criteria: LabCorp Variant Classification Summary - May 2015. Collection method: clinical testing. Allele origin: germline.
Comment: Variant summary: GBA1 c.1484C>G (p.Ala495Gly) results in a non-conservative amino acid change located in the Glycosyl hydrolase family 30, beta sandwich domain (IPR033452) of the encoded protein sequence. Three of five in-silico tools predict a damaging effect of the variant on protein function. The variant was absent in 1613322 control chromosomes. The available data on variant occurrences in the general population are insufficient to allow any conclusion about variant significance. To our knowledge, no occurrence of c.1484C>G in individuals affected with Gaucher Disease and no experimental evidence demonstrating its impact on protein function have been reported. No submitters have cited clinical-significance assessments for this variant to ClinVar. Based on the evidence outlined above, the variant was classified as uncertain significance.

NM_000157.4(GBA1):c.1484C>G (p.Ala495Gly)

Genes: GBA1 (glucosylceramidase beta 1; minus strand), LOC106627981 (GBA recombination region; plus strand). Cytogenetic location: 1q22.
Variant type: single nucleotide variant.
Coding change: c.1484C>G on transcript NM_000157.4 (MANE Select); coding-DNA position 1484, C replaced by G.
Protein change: p.Ala495Gly; replaces alanine 495 with glycine.
Molecular consequence: missense variant.
Genome position (GRCh38, 1-based): chr1:155,235,216, G>C on the plus strand (C>G on the coding strand, the complement: GBA1 is on the minus strand). VCF-style: chr1-155235216-G-C. GRCh37 (hg19) VCF-style: chr1-155205007-G-C.
Other names: c.1484C>G, p.Ala495Gly (NM_001005741.3, NM_001005742.3); c.1223C>G, p.Ala408Gly (NM_001171811.2); c.1337C>G, p.Ala446Gly (NM_001171812.2); short protein forms A408G, A446G, A495G.
Identifiers: ClinVar variation 3896161 (VCV003896161.2).